The following is an entry in ClinVar:

NM_201384.3(PLEC):c.9130C>T (p.Leu3044=)

Gene: PLEC (plectin; minus strand). Cytogenetic location: 8q24.3.
Variant type: single nucleotide variant.
Coding change: c.9130C>T on transcript NM_201384.3 (MANE Select); coding-DNA position 9130, C replaced by T.
Protein change: p.Leu3044=; no amino-acid change (leucine 3044 retained).
Molecular consequence: synonymous variant.
Genome position (GRCh38, 1-based): chr8:143,920,691, G>A on the plus strand (C>T on the coding strand, the complement: PLEC is on the minus strand). VCF-style: chr8-143920691-G-A. GRCh37 (hg19) VCF-style: chr8-144994859-G-A.
Other names: c.9211C>T, p.Leu3071= (NM_000445.5); c.9088C>T, p.Leu3030= (NM_201378.4); c.9064C>T, p.Leu3022= (NM_201379.3); c.9541C>T, p.Leu3181= (NM_201380.4); c.9034C>T, p.Leu3012= (NM_201381.3); c.9130C>T, p.Leu3044= (NM_201382.4); c.9142C>T, p.Leu3048= (NM_201383.3); c.9211C>T (NM_000445.4).
Identifiers: ClinVar variation 515144 (VCV000515144.11), dbSNP rs782038680, ClinGen allele CA4925061.
Genomic context (GRCh38, chr8:143,920,691, plus strand): 5'-TGCCGGCCTGGGCTTCCAACAGGGCCACGGCCATGTCGGATGGCAGCAGGTCTTTCTTCA[G>A]GGCATTGTAGATACTCAGCTTCTGCCCCGCCTCCTCCAGCCATACACCCGCGATGACGTT-3'
Protein context (NP_958786.1, residues 3034-3054): AGQKLSIYNA[Leu3044=]KKDLLPSDMA

ClinVar aggregate classification (germline): Conflicting classifications of pathogenicity. Review status: criteria provided, conflicting classifications (1 of 4 stars). 4 submissions from 4 submitters: Uncertain significance (1); Likely benign (2). 1 of the submissions does not count toward it. Last evaluated 2023-12-26.

Conditions:
PLEC-related disorder. Also called: PLEC-related disorders; PLEC-related condition.
Epidermolysis bullosa simplex 5C, with pyloric atresia (EBS5C). Also called: PLEC1-Related Epidermolysis Bullosa with Pyloric Atresia; PLEC-Related Epidermolysis Bullosa with Pyloric Atresia; Epidermolysis bullosa simplex with pyloric atresia. Identifiers: Orphanet 158684, MedGen C2677349, MONDO:0012807, OMIM 612138.
Epidermolysis bullosa simplex, Ogna type (EBS5A). Also called: Pidermolysis bullosa simplex 5A, Ogna type; EPIDERMOLYSIS BULLOSA SIMPLEX 5A, OGNA TYPE. Identifiers: Orphanet 79401, MedGen C0432317, MONDO:0007555, OMIM 131950.
Autosomal recessive limb-girdle muscular dystrophy type 2Q (LGMDR17). Also called: MUSCULAR DYSTROPHY, LIMB-GIRDLE, AUTOSOMAL RECESSIVE 17. Identifiers: Orphanet 254361, MedGen C3150989, MONDO:0013390, OMIM 613723.
Epidermolysis bullosa simplex with nail dystrophy (EBS5D). Identifiers: MedGen C4225309, MONDO:0014661, OMIM 616487.
Epidermolysis bullosa simplex 5B, with muscular dystrophy (EBS5B). Also called: Epidermolysis bullosa simplex with muscular dystrophy; EPIDERMOLYSIS BULLOSA SIMPLEX AND LIMB-GIRDLE MUSCULAR DYSTROPHY. Identifiers: Orphanet 257, MedGen C2931072, MONDO:0009181, OMIM 226670.

Allele frequency attached by ClinVar (database versions not stated): ExAC 0.00001; gnomAD 0.00001; gnomAD exomes 0.00001; TOPMed 0.00002.
gnomAD v4.1: 20 of 1,602,700 alleles (0.0012%); highest among the groups gnomAD compares: Non-Finnish European, 0.0017%; no homozygotes.

Submissions (4):

Labcorp Genetics (formerly Invitae), Labcorp
Classification: Likely benign for Autosomal recessive limb-girdle muscular dystrophy type 2Q; Epidermolysis bullosa simplex, Ogna type; Epidermolysis bullosa simplex with nail dystrophy; Epidermolysis bullosa simplex 5C, with pyloric atresia; Epidermolysis bullosa simplex 5B, with muscular dystrophy. Last evaluated: 2023-12-26. Review status: criteria provided, single submitter. Criteria: Invitae Variant Classification Sherloc (09022015). Collection method: clinical testing. Allele origin: germline.

GeneDx
Classification: Likely benign. Last evaluated: 2018-02-05. Review status: criteria provided, single submitter. Criteria: GeneDx Variant Classification (06012015). Collection method: clinical testing. Allele origin: germline. Affected: yes.
Comment: This variant is considered likely benign or benign based on one or more of the following criteria: it is a conservative change, it occurs at a poorly conserved position in the protein, it is predicted to be benign by multiple in silico algorithms, and/or has population frequency not consistent with disease.

Eurofins Ntd Llc (ga)
Classification: Uncertain significance. Last evaluated: 2017-09-14. Review status: criteria provided, single submitter. Criteria: EGL Classification Definitions 2015. Collection method: clinical testing. Allele origin: germline. Observed: 1 variant allele, 1 heterozygote.

PreventionGenetics, part of Exact Sciences
Classification: Likely benign for PLEC-related condition. Last evaluated: 2020-06-29. Review status: no assertion criteria provided. Collection method: clinical testing. Allele origin: germline. Not counted in ClinVar's aggregate classification.
Comment: This variant is classified as likely benign based on ACMG/AMP sequence variant interpretation guidelines (Richards et al. 2015 PMID: 25741868, with internal and published modifications).